The following is an entry in ClinVar:

NM_000541.5(SAG):c.1105A>C (p.Lys369Gln)

Gene: SAG (S-antigen visual arrestin; plus strand). Cytogenetic location: 2q37.1.
Variant type: single nucleotide variant.
Coding change: c.1105A>C on transcript NM_000541.5 (MANE Select); coding-DNA position 1105, A replaced by C.
Protein change: p.Lys369Gln; replaces lysine 369 with glutamine.
Molecular consequence: missense variant.
Genome position (GRCh38, 1-based): chr2:233,346,405, A>C. VCF-style: chr2-233346405-A-C. GRCh37 (hg19) VCF-style: chr2-234255051-A-C.
Other names: c.1105A>C (NM_000541.4); short protein forms K369Q.
Identifiers: ClinVar variation 1060267 (VCV001060267.10), dbSNP rs201174696, ClinGen allele CA2174685.

ClinVar aggregate classification (germline): Uncertain significance. Review status: criteria provided, multiple submitters, no conflicts (2 of 4 stars). 2 submissions from 2 submitters: Uncertain significance (2). Last evaluated 2025-10-21.

Conditions:
Inborn genetic diseases. Identifiers: MedGen C0950123, MeSH D030342.

Allele frequency attached by ClinVar (database versions not stated): gnomAD exomes below 0.00001 and 0.00001; ExAC 0.00001; gnomAD 0.00001; 1000 Genomes Project 30x 0.00016; 1000 Genomes Project 0.00020.
gnomAD v4.1: 8 of 1,613,796 alleles (0.0005%); highest among the groups gnomAD compares: Admixed American, 0.01%; no homozygotes.

Submissions (2):

Ambry Genetics
Classification: Uncertain significance for Inborn genetic diseases. Last evaluated: 2025-10-21. Review status: criteria provided, single submitter. Criteria: Ambry Variant Classification Scheme 2023. Collection method: clinical testing. Allele origin: germline.

Labcorp Genetics (formerly Invitae), Labcorp
Classification: Uncertain significance. Last evaluated: 2022-08-09. Review status: criteria provided, single submitter. Criteria: Invitae Variant Classification Sherloc (09022015). Collection method: clinical testing. Allele origin: germline.
Comment: In summary, the available evidence is currently insufficient to determine the role of this variant in disease. Therefore, it has been classified as a Variant of Uncertain Significance. Algorithms developed to predict the effect of missense changes on protein structure and function (SIFT, PolyPhen-2, Align-GVGD) all suggest that this variant is likely to be tolerated. ClinVar contains an entry for this variant (Variation ID: 1060267). This variant has not been reported in the literature in individuals affected with SAG-related conditions. This variant is present in population databases (rs201174696, gnomAD 0.003%). This sequence change replaces lysine, which is basic and polar, with glutamine, which is neutral and polar, at codon 369 of the SAG protein (p.Lys369Gln).